The following is an entry in ClinVar:

ClinVar aggregate classification (germline): Likely benign (1 of 4 stars; one submission).

Conditions:
PLXNA3-related disorder. Also called: PLXNA3-related condition.

Submission:

PreventionGenetics, part of Exact Sciences
Classification: Likely benign for PLXNA3-related condition. Last evaluated: 2025-06-09. Review status: criteria provided, single submitter. Criteria: ACMG Guidelines, 2015. Collection method: clinical testing. Allele origin: germline.
Comment: This variant is classified as likely benign based on ACMG/AMP sequence variant interpretation guidelines (Richards et al. 2015 PMID: 25741868, with internal and published modifications).

NM_017514.5(PLXNA3):c.1134+9C>G

Gene: PLXNA3 (plexin A3; plus strand). Cytogenetic location: Xq28.
Variant type: single nucleotide variant.
Coding change: c.1134+9C>G on transcript NM_017514.5 (MANE Select); 9 bases into the intron after coding-DNA position 1134, C replaced by G.
Molecular consequence: intron variant.
Genome position (GRCh38, 1-based): chrX:154,461,647, C>G. VCF-style: chrX-154461647-C-G. GRCh37 (hg19) VCF-style: chrX-153689987-C-G.
Identifiers: ClinVar variation 4985936 (VCV004985936.1).